The following is an entry in ClinVar:

NM_001080432.3(FTO):c.767G>A (p.Ser256Asn)

Gene: FTO (FTO alpha-ketoglutarate dependent dioxygenase; plus strand). Cytogenetic location: 16q12.2.
Variant type: single nucleotide variant.
Coding change: c.767G>A on transcript NM_001080432.3 (MANE Select); coding-DNA position 767, G replaced by A.
Protein change: p.Ser256Asn; replaces serine 256 with asparagine.
Molecular consequence: missense variant. On other transcripts: non-coding transcript variant (1), intron variant (2).
Genome position (GRCh38, 1-based): chr16:53,844,170, G>A. VCF-style: chr16-53844170-G-A. GRCh37 (hg19) VCF-style: chr16-53878082-G-A.
Other names: c.797G>A, p.Ser266Asn (NM_001363891.2, NM_001363898.2); c.767G>A, p.Ser256Asn (NM_001438129.1, NM_001438130.1, NM_001363894.2 and 5 more transcripts); c.781+17649G>A (NM_001363899.2); c.751+17679G>A (NM_001363901.2); c.689G>A, p.Ser230Asn (NM_001363897.2); c.254G>A, p.Ser85Asn (NM_001363905.2); short protein forms S230N, S256N, S266N, S85N.
Identifiers: ClinVar variation 714629 (VCV000714629.17), dbSNP rs144743617, ClinGen allele CA8058442.

ClinVar aggregate classification (germline): Conflicting classifications of pathogenicity. Review status: criteria provided, conflicting classifications (1 of 4 stars). 5 submissions from 5 submitters: Uncertain significance (1); Benign (1); Likely benign (2). 1 of the submissions does not count toward it. Last evaluated 2026-06-01.

Conditions:
FTO-related disorder. Also called: FTO-related condition.
Lethal polymalformative syndrome, Boissel type. Also called: GROWTH RETARDATION, DEVELOPMENTAL DELAY, AND FACIAL DYSMORPHISM. Identifiers: Orphanet 210144, MedGen C2752001, MONDO:0013050, OMIM 612938.

Allele frequency attached by ClinVar (database versions not stated): 1000 Genomes Project 0.00160; 1000 Genomes Project 30x 0.00187; ExAC 0.00217; gnomAD exomes 0.00238 and 0.00358; gnomAD 0.00261 and 0.00264; ESP Exome Variant Server 0.00277; TOPMed 0.00282.
gnomAD v4.1: 5,583 of 1,613,804 alleles (0.35%); highest among the groups gnomAD compares: Middle Eastern, 0.43%; 21 homozygotes.

Submissions (5):

CeGaT Center for Human Genetics Tuebingen
Classification: Likely benign. Last evaluated: 2026-06-01. Review status: criteria provided, single submitter. Criteria: CeGaT Center For Human Genetics Tuebingen Variant Classification Criteria Version 2. Collection method: clinical testing. Allele origin: germline. Affected: yes. Observed: 1 variant allele.
Comment: FTO: BP4, BS2

Labcorp Genetics (formerly Invitae), Labcorp
Classification: Benign. Last evaluated: 2026-01-05. Review status: criteria provided, single submitter. Criteria: Invitae Variant Classification Sherloc (09022015). Collection method: clinical testing. Allele origin: germline.

Blueprint Genetics
Classification: Likely benign. Last evaluated: 2024-11-25. Review status: criteria provided, single submitter. Criteria: ACMG Guidelines, 2015. Collection method: clinical testing. Allele origin: germline.

Illumina Laboratory Services, Illumina
Classification: Uncertain significance for Lethal polymalformative syndrome, Boissel type. Last evaluated: 2017-04-27. Review status: criteria provided, single submitter. Criteria: ICSL Variant Classification Criteria 13 December 2019. Collection method: clinical testing. Allele origin: germline.
Comment: This variant was observed as part of a predisposition screen in an ostensibly healthy population. A literature search was performed for the gene, cDNA change, and amino acid change (where applicable). Publications were found based on this search. However, the evidence from the literature, in combination with allele frequency data from public databases where available, was not sufficient to rule this variant in or out of causing disease. Therefore, this variant is classified as a variant of unknown significance.

PreventionGenetics, part of Exact Sciences
Classification: Likely benign for FTO-related condition. Last evaluated: 2023-02-16. Review status: no assertion criteria provided. Collection method: clinical testing. Allele origin: germline. Not counted in ClinVar's aggregate classification.
Comment: This variant is classified as likely benign based on ACMG/AMP sequence variant interpretation guidelines (Richards et al. 2015 PMID: 25741868, with internal and published modifications).

Literature cited by the submitters: PubMed 27105045 (cited by Illumina Laboratory Services, Illumina); PubMed 26820768 (cited by Illumina Laboratory Services, Illumina); PubMed 19833892 (cited by Illumina Laboratory Services, Illumina).